The following is an entry in ClinVar:

NM_001367624.2(ZNF469):c.10468A>G (p.Arg3490Gly)

Gene: ZNF469 (zinc finger protein 469; plus strand). Cytogenetic location: 16q24.2.
Variant type: single nucleotide variant.
Coding change: c.10468A>G on transcript NM_001367624.2 (MANE Select); coding-DNA position 10468, A replaced by G.
Protein change: p.Arg3490Gly; replaces arginine 3490 with glycine.
Molecular consequence: missense variant.
Genome position (GRCh38, 1-based): chr16:88,437,938, A>G. VCF-style: chr16-88437938-A-G. GRCh37 (hg19) VCF-style: chr16-88504346-A-G.
Other names: short protein forms R3490G.
Identifiers: ClinVar variation 1933071 (VCV001933071.5), dbSNP rs2507606486, ClinGen allele CA397127037.

ClinVar aggregate classification (germline): Uncertain significance (1 of 4 stars; one submission).

Allele frequency attached by ClinVar (database versions not stated): gnomAD exomes below 0.00001.
gnomAD v4.1: 2 of 1,542,046 alleles (0.00013%); highest among the groups gnomAD compares: Non-Finnish European, 0.00017%; no homozygotes.

Submission:

Labcorp Genetics (formerly Invitae), Labcorp
Classification: Uncertain significance. Last evaluated: 2022-02-27. Review status: criteria provided, single submitter. Criteria: Invitae Variant Classification Sherloc (09022015). Collection method: clinical testing. Allele origin: germline.
Comment: In summary, the available evidence is currently insufficient to determine the role of this variant in disease. Therefore, it has been classified as a Variant of Uncertain Significance. Algorithms developed to predict the effect of missense changes on protein structure and function output the following: SIFT: "Tolerated"; PolyPhen-2: "Benign"; Align-GVGD: "Class C0". The glycine amino acid residue is found in multiple mammalian species, which suggests that this missense change does not adversely affect protein function. This variant has not been reported in the literature in individuals affected with ZNF469-related conditions. This variant is not present in population databases (gnomAD no frequency). This sequence change replaces arginine, which is basic and polar, with glycine, which is neutral and non-polar, at codon 3462 of the ZNF469 protein (p.Arg3462Gly).